The following is an entry in ClinVar:

NM_000094.4(COL7A1):c.4980+5G>A

Gene: COL7A1 (collagen type VII alpha 1 chain; minus strand). Cytogenetic location: 3p21.31.
Variant type: single nucleotide variant.
Coding change: c.4980+5G>A on transcript NM_000094.4 (MANE Select); 5 bases into the intron after coding-DNA position 4980, G replaced by A.
Molecular consequence: intron variant.
Genome position (GRCh38, 1-based): chr3:48,580,877, C>T on the plus strand (G>A on the coding strand, the complement: COL7A1 is on the minus strand). VCF-style: chr3-48580877-C-T. GRCh37 (hg19) VCF-style: chr3-48618310-C-T.
Identifiers: ClinVar variation 4773370 (VCV004773370.1).

ClinVar aggregate classification (germline): Uncertain significance (1 of 4 stars; one submission).

gnomAD v4.1: 2 of 1,614,130 alleles (0.00012%); highest among the groups gnomAD compares: South Asian, 0.0011%; no homozygotes.

Submission:

Labcorp Genetics (formerly Invitae), Labcorp
Classification: Uncertain significance. Last evaluated: 2025-07-27. Review status: criteria provided, single submitter. Criteria: Invitae Variant Classification Sherloc (09022015). Collection method: clinical testing. Allele origin: germline.
Comment: This sequence change falls in intron 53 of the COL7A1 gene. It does not directly change the encoded amino acid sequence of the COL7A1 protein. It affects a nucleotide within the consensus splice site. This variant is not present in population databases (gnomAD no frequency). This variant has not been reported in the literature in individuals affected with COL7A1-related conditions. Variants that disrupt the consensus splice site are a relatively common cause of aberrant splicing (PMID: 17576681, 9536098). Algorithms developed to predict the effect of sequence changes on RNA splicing suggest that this variant may disrupt the consensus splice site. This variant disrupts the c.4980+5G nucleotide in the COL7A1 gene. Other variant(s) that disrupt this nucleotide have been determined to be pathogenic (PMID: 26940370). This suggests that this nucleotide is clinically significant, and that variants that disrupt this position are likely to be disease-causing. In summary, the available evidence is currently insufficient to determine the role of this variant in disease. Therefore, it has been classified as a Variant of Uncertain Significance.

Literature cited by the submitters: PubMed 17576681; PubMed 9536098; PubMed 26940370.